The following is an entry in ClinVar:

NM_170707.4(LMNA):c.789G>A (p.Leu263=)

Gene: LMNA (lamin A/C; plus strand). Cytogenetic location: 1q22.
Variant type: single nucleotide variant.
Coding change: c.789G>A on transcript NM_170707.4 (MANE Select); coding-DNA position 789, G replaced by A.
Protein change: p.Leu263=; no amino-acid change (leucine 263 retained).
Molecular consequence: synonymous variant.
Genome position (GRCh38, 1-based): chr1:156,134,954, G>A. VCF-style: chr1-156134954-G-A. GRCh37 (hg19) VCF-style: chr1-156104745-G-A.
Other names: p.L263L:CTG>CTA; c.453G>A, p.Leu151= (NM_001257374.3); c.546G>A, p.Leu182= (NM_001282624.2); c.789G>A, p.Leu263= (NM_001282625.2, NM_001282626.2, NM_005572.4 and 1 more transcripts).
Identifiers: ClinVar variation 48082 (VCV000048082.37), dbSNP rs148557956, ClinGen allele CA018646.
Genomic context (GRCh38, chr1:156,134,954, plus strand): 5'-TGCGCTGCAGGAACTGCGGGCCCAGCATGAGGACCAGGTGGAGCAGTATAAGAAGGAGCT[G>A]GAGAAGACTTATTCTGCCAAGGTGCTTGCTCTCGATTGGTTCCCTCACTGCCTCTGCCCT-3'
Protein context (NP_733821.1, residues 253-273): EDQVEQYKKE[Leu263=]EKTYSAKLDN

ClinVar aggregate classification (germline): Conflicting classifications of pathogenicity. Review status: criteria provided, conflicting classifications (1 of 4 stars). 13 submissions from 13 submitters: Uncertain significance (1); Benign (3); Likely benign (9). Last evaluated 2026-01-27.

Conditions:
Cardiovascular phenotype. Identifiers: MedGen CN230736.
Charcot-Marie-Tooth disease type 2. Also called: Charcot-Marie-Tooth type 2. Identifiers: Orphanet 64746, MedGen C0270914, MONDO:0018993.
Cardiomyopathy (CMYO). Also called: Cardiomyopathies. Identifiers: Orphanet 167848, MedGen C0878544, MONDO:0004994, HP:0001638. Inheritance: Various modes of inheritance.
Primary dilated cardiomyopathy (DCM). Also called: Dilated Cardiomyopathy. Identifiers: Orphanet 217604, MedGen C0007193, MeSH D002311, MONDO:0005021, HP:0001644. Inheritance: Various modes of inheritance.

Allele frequency attached by ClinVar (database versions not stated): gnomAD exomes 0.00009 and 0.00003; 1000 Genomes Project 30x 0.00016; ESP Exome Variant Server 0.00046; gnomAD 0.00048 and 0.00044; TOPMed 0.00045; ExAC 0.00008; 1000 Genomes Project 0.00020.
gnomAD v4.1: 116 of 1,614,198 alleles (0.0072%); highest among the groups gnomAD compares: African/African-American, 0.14%; no homozygotes.

Submissions (13):

Labcorp Genetics (formerly Invitae), Labcorp
Classification: Likely benign for Charcot-Marie-Tooth disease type 2. Last evaluated: 2026-01-27. Review status: criteria provided, single submitter. Criteria: Invitae Variant Classification Sherloc (09022015). Collection method: clinical testing. Allele origin: germline.

Athena Diagnostics
Classification: Benign. Last evaluated: 2025-07-17. Review status: criteria provided, single submitter. Criteria: Athena Diagnostics Criteria. Collection method: clinical testing. Allele origin: unknown.
Comment: The frequency of this variant in the general population is higher than would generally be expected for pathogenic variants in this gene. Computational tools yielded predictions that this variant is unlikely to have an effect on normal RNA splicing. This nucleotide position exhibits low evolutionary conservation.

Molecular Diagnostic Laboratory for Inherited Cardiovascular Disease, Montreal Heart Institute
Classification: Likely benign. Last evaluated: 2025-04-09. Review status: criteria provided, single submitter. Criteria: ACMG Guidelines, 2015. Collection method: clinical testing. Allele origin: germline. Affected: no.

All of Us Research Program, National Institutes of Health
Classification: Likely benign for Primary dilated cardiomyopathy. Last evaluated: 2023-12-18. Review status: criteria provided, single submitter. Criteria: ACMG Guidelines, 2015. Collection method: clinical testing. Allele origin: germline. Inheritance: Autosomal dominant inheritance. Observed: 18 variant alleles, 18 heterozygotes.
Comment: This study involves interpretation of variants in research participants for the purpose of population health screening. Participant phenotype was not available at the time of variant classification. Additional details can be found in publication PMID: 35346344, PMCID: PMC8962531

ARUP Laboratories, Molecular Genetics and Genomics, ARUP Laboratories
Classification: Likely benign. Last evaluated: 2021-05-22. Review status: criteria provided, single submitter. Criteria: ARUP Molecular Germline Variant Investigation Process 2021. Collection method: clinical testing. Allele origin: germline.

Women's Health and Genetics/Laboratory Corporation of America, LabCorp
Classification: Likely benign. Last evaluated: 2020-11-23. Review status: criteria provided, single submitter. Criteria: LabCorp Variant Classification Summary - May 2015. Collection method: clinical testing. Allele origin: germline.

CHEO Genetics Diagnostic Laboratory, Children's Hospital of Eastern Ontario
Classification: Benign for Cardiomyopathy. Last evaluated: 2019-08-21. Review status: criteria provided, single submitter. Criteria: ACMG Guidelines, 2015. Collection method: clinical testing. Allele origin: germline.

Color Diagnostics, LLC DBA Color Health
Classification: Likely benign for Cardiomyopathy. Last evaluated: 2018-12-04. Review status: criteria provided, single submitter. Criteria: ACMG Guidelines, 2015. Collection method: clinical testing. Allele origin: germline.

Eurofins Ntd Llc (ga)
Classification: Uncertain significance. Last evaluated: 2017-01-05. Review status: criteria provided, single submitter. Criteria: EGL Classification Definitions 2015. Collection method: clinical testing. Allele origin: germline. Observed: 3 variant alleles, 2 heterozygotes, 1 homozygote.

Ambry Genetics
Classification: Likely benign for Cardiovascular phenotype. Last evaluated: 2016-11-29. Review status: criteria provided, single submitter. Criteria: Ambry Variant Classification Scheme 2023. Collection method: clinical testing. Allele origin: germline.

GeneDx
Classification: Benign. Last evaluated: 2014-09-23. Review status: criteria provided, single submitter. Criteria: GeneDx Variant Classification (06012015). Collection method: clinical testing. Allele origin: germline. Affected: yes.
Comment: This variant is considered likely benign or benign based on one or more of the following criteria: it is a conservative change, it occurs at a poorly conserved position in the protein, it is predicted to be benign by multiple in silico algorithms, and/or has population frequency not consistent with disease.

Laboratory for Molecular Medicine, Mass General Brigham Personalized Medicine
Classification: Likely benign. Last evaluated: 2009-10-19. Review status: criteria provided, single submitter. Criteria: LMM Criteria. Collection method: clinical testing. Allele origin: germline. Observed: 1 variant allele.

PreventionGenetics, part of Exact Sciences
Classification: Likely benign. Review status: criteria provided, single submitter. Criteria: ACMG Guidelines, 2015. Collection method: clinical testing. Allele origin: germline.

Literature cited by the submitters: PubMed 30402260 (cited by Athena Diagnostics).